The following is an entry in ClinVar:

NM_001165963.4(SCN1A):c.4476G>A (p.Lys1492=)

Genes: SCN1A (sodium voltage-gated channel alpha subunit 1; minus strand), LOC102724058 (uncharacterized LOC102724058; plus strand). Cytogenetic location: 2q24.3.
Variant type: single nucleotide variant.
Coding change: c.4476G>A on transcript NM_001165963.4 (MANE Select); coding-DNA position 4476, G replaced by A.
Protein change: p.Lys1492=; no amino-acid change (lysine 1492 retained).
Molecular consequence: synonymous variant. On other transcripts: non-coding transcript variant (1).
Genome position (GRCh38, 1-based): chr2:165,998,038, C>T on the plus strand (G>A on the coding strand, the complement: SCN1A is on the minus strand). VCF-style: chr2-165998038-C-T. GRCh37 (hg19) VCF-style: chr2-166854548-C-T.
Other names: c.4476G>A (NM_001202435.1); c.4392G>A, p.Lys1464= (NM_001165964.3, NM_001353957.2, NM_001353958.2); c.4476G>A, p.Lys1492= (NM_001202435.3, NM_001353948.2); c.4443G>A, p.Lys1481= (NM_001353949.2, NM_001353950.2, NM_001353951.2 and 2 more transcripts); c.4440G>A, p.Lys1480= (NM_001353954.2, NM_001353955.2); c.4389G>A, p.Lys1463= (NM_001353960.2); c.2034G>A, p.Lys678= (NM_001353961.2).
Identifiers: ClinVar variation 426654 (VCV000426654.12), dbSNP rs1085307730, ClinGen allele CA429892897.

ClinVar aggregate classification (germline): Pathogenic/Likely pathogenic. Review status: criteria provided, multiple submitters, no conflicts (2 of 4 stars). 4 submissions from 4 submitters: Pathogenic (2); Likely pathogenic (2). Last evaluated 2025-08-21.

Conditions:
Early-infantile DEE. Also called: Early infantile epileptic encephalopathy; Ohtahara syndrome; Early infantile epileptic encephalopathy with suppression bursts. Identifiers: Orphanet 1934, MedGen C0393706, MONDO:0800491.
Severe myoclonic epilepsy in infancy (DRVT). Also called: Epileptic encephalopathy, early infantile, 6 (Dravet syndrome); Dravet syndrome; SEVERE MYOCLONIC EPILEPSY OF INFANCY; DEVELOPMENTAL AND EPILEPTIC ENCEPHALOPATHY 6A; Severe Myoclonic Epilepsy in Infancy (SMEI). Identifiers: Orphanet 33069, MedGen C0751122, MONDO:0100135, OMIM 607208.
Developmental and epileptic encephalopathy 6B. Also called: Developmental and epileptic encephalopathy 6B, non-Dravet. Identifiers: MedGen C5543353, MONDO:0030268, OMIM 619317.

Submissions (4):

Labcorp Genetics (formerly Invitae), Labcorp
Classification: Pathogenic for Early-infantile DEE. Last evaluated: 2025-08-21. Review status: criteria provided, single submitter. Criteria: Invitae Variant Classification Sherloc (09022015). Collection method: clinical testing. Allele origin: germline.
Comment: This sequence change affects codon 1492 of the SCN1A mRNA. It is a 'silent' change, meaning that it does not change the encoded amino acid sequence of the SCN1A protein. This variant also falls at the last nucleotide of exon 23, which is part of the consensus splice site for this exon. This variant is not present in population databases (gnomAD no frequency). This variant has been observed in individual(s) with Dravet syndrome and/or severe myoclonic epilepsy of infancy (PMID: 19350499, 36158059). In at least one individual the variant was observed to be de novo. This variant is also known as K1492K. ClinVar contains an entry for this variant (Variation ID: 426654). Variants that disrupt the consensus splice site are a relatively common cause of aberrant splicing (PMID: 17576681, 9536098). Algorithms developed to predict the effect of sequence changes on RNA splicing suggest that this variant may disrupt the consensus splice site. For these reasons, this variant has been classified as Pathogenic.

Athena Diagnostics
Classification: Pathogenic. Last evaluated: 2023-07-05. Review status: criteria provided, single submitter. Criteria: Athena Diagnostics Criteria. Collection method: clinical testing. Allele origin: unknown.
Comment: This variant has been confirmed to occur de novo in multiple individuals with Dravet syndrome. This variant has not been reported in large, multi-ethnic general populations.

Greenwood Genetic Center Diagnostic Laboratories, Greenwood Genetic Center
Classification: Likely pathogenic for Severe myoclonic epilepsy in infancy; Developmental and epileptic encephalopathy 6B. Last evaluated: 2021-06-15. Review status: criteria provided, single submitter. Criteria: ACMG Guidelines, 2015. Collection method: clinical testing. Allele origin: germline. Affected: yes.
Comment: PS2, PS4_Supporting, PM2

GeneDx
Classification: Likely pathogenic. Last evaluated: 2021-03-08. Review status: criteria provided, single submitter. Criteria: GeneDx Variant Classification Process June 2021. Collection method: clinical testing. Allele origin: germline. Affected: yes.
Comment: In-silico analysis, which includes splice predictors and evolutionary conservation, is inconclusive as to whether the variant alters gene splicing. In the absence of RNA/functional studies, the actual effect of this sequence change is unknown.; Not observed in large population cohorts (Lek et al., 2016); This variant is associated with the following publications: (PMID: 19350499, 29408779)

Literature cited by the submitters: PubMed 19350499 (cited by Labcorp Genetics (formerly Invitae), Labcorp and Athena Diagnostics); PubMed 36158059 (cited by Labcorp Genetics (formerly Invitae), Labcorp and Athena Diagnostics); PubMed 17576681 (cited by Labcorp Genetics (formerly Invitae), Labcorp and Athena Diagnostics); PubMed 9536098 (cited by Labcorp Genetics (formerly Invitae), Labcorp); PubMed 20431604 (cited by Athena Diagnostics).